The following is an entry in ClinVar:

NM_032119.4(ADGRV1):c.11410C>T (p.Arg3804Ter)

Gene: ADGRV1 (adhesion G protein-coupled receptor V1; plus strand). Cytogenetic location: 5q14.3.
Variant type: single nucleotide variant.
Coding change: c.11410C>T on transcript NM_032119.4 (MANE Select); coding-DNA position 11410, C replaced by T.
Protein change: p.Arg3804Ter; replaces arginine 3804 with a stop codon.
Molecular consequence: nonsense. On other transcripts: non-coding transcript variant (1).
Genome position (GRCh38, 1-based): chr5:90,755,015, C>T. VCF-style: chr5-90755015-C-T. GRCh37 (hg19) VCF-style: chr5-90050832-C-T.
Other names: short protein forms R3804*.
Identifiers: ClinVar variation 372375 (VCV000372375.8), dbSNP rs767570081, ClinGen allele CA3340972.

ClinVar aggregate classification (germline): Pathogenic. Review status: criteria provided, multiple submitters, no conflicts (2 of 4 stars). 5 submissions from 5 submitters: Pathogenic (5). Last evaluated 2025-05-19.

Conditions:
Febrile seizures, familial, 4 (FEB4). Also called: CONVULSIONS, FAMILIAL FEBRILE, 4. Identifiers: MedGen C1858493, MONDO:0011443, OMIM 604352.
Usher syndrome type 2C. Also called: Usher syndrome, type 2B; USHER SYNDROME, TYPE IIC. Identifiers: Orphanet 231178, Orphanet 886, MedGen C2931213, MONDO:0011558, OMIM 605472.
ADGRV1-related disorder. Also called: ADGRV1-related disorders; ADGRV1-related condition.

Allele frequency attached by ClinVar (database versions not stated): gnomAD exomes below 0.00001 and 0.00001; gnomAD 0.00001; TOPMed 0.00001; ExAC 0.00002.
gnomAD v4.1: 7 of 1,612,820 alleles (0.00043%); highest among the groups gnomAD compares: South Asian, 0.0022%; no homozygotes.

Submissions (5):

PreventionGenetics, part of Exact Sciences
Classification: Pathogenic for ADGRV1-related condition. Last evaluated: 2025-05-19. Review status: criteria provided, single submitter. Criteria: ACMG Guidelines, 2015. Collection method: clinical testing. Allele origin: germline.
Comment: The ADGRV1 c.11410C>T variant is predicted to result in premature protein termination (p.Arg3804*). This variant has been reported in an individual with Usher syndrome, but a second pathogenic variant was not identified (Neuhaus et al. 2017. PubMed ID: 28944237). This variant has also been reported along with another variant in an individual with Usher syndrome (patient 25 in Table S1, Griffith et al. 2022. PubMed ID: 36011402). This variant is reported in 0.0065% of alleles in individuals of South Asian descent in gnomAD. Nonsense variants in ADGRV1 are expected to be pathogenic for autosomal recessive usher syndrome. This variant is interpreted as pathogenic for autosomal recessive Usher syndrome.

Labcorp Genetics (formerly Invitae), Labcorp
Classification: Pathogenic. Last evaluated: 2025-04-24. Review status: criteria provided, single submitter. Criteria: Invitae Variant Classification Sherloc (09022015). Collection method: clinical testing. Allele origin: germline.
Comment: This sequence change creates a premature translational stop signal (p.Arg3804*) in the ADGRV1 gene. It is expected to result in an absent or disrupted protein product. Loss-of-function variants in ADGRV1 are known to be pathogenic (PMID: 19357117, 22135276, 22147658, 26226137, 30718709, 31047384, 32467589). This variant is present in population databases (rs767570081, gnomAD 0.007%). This premature translational stop signal has been observed in individual(s) with ADGRV1-related conditions (PMID: 28944237). ClinVar contains an entry for this variant (Variation ID: 372375). For these reasons, this variant has been classified as Pathogenic.

Blueprint Genetics
Classification: Pathogenic for ADGRV1-related disorders. Last evaluated: 2024-07-05. Review status: criteria provided, single submitter. Criteria: ACMG Guidelines, 2015. Collection method: clinical testing. Allele origin: germline. Affected: yes. Observed: 2 variant alleles.

Fulgent Genetics
Classification: Pathogenic for Febrile seizures, familial, 4; Usher syndrome type 2C. Last evaluated: 2024-05-29. Review status: criteria provided, single submitter. Criteria: ACMG Guidelines, 2015. Collection method: clinical testing. Allele origin: germline.

GeneDx
Classification: Pathogenic. Last evaluated: 2015-06-02. Review status: criteria provided, single submitter. Criteria: GeneDx Variant Classification (06012015). Collection method: clinical testing. Allele origin: germline. Affected: yes.
Comment: The R3804X nonsense variant in the GPR98 gene has also not been reported as a pathogenic variant or as a benign polymorphism to our knowledge. The R3804X nonsense variant is predicted to cause loss of normal protein function either through protein truncation or nonsense-mediated mRNA decay. R3804 was not observed in approximately 6,000 individuals of European and African American ancestry in the NHLBI Exome Sequencing Project, indicating that this is not a common benign variant in these populations. We therefore interpret R3804X to be a pathogenic variant.

Literature cited by the submitters: PubMed 19357117 (cited by Labcorp Genetics (formerly Invitae), Labcorp); PubMed 22135276 (cited by Labcorp Genetics (formerly Invitae), Labcorp); PubMed 22147658 (cited by Labcorp Genetics (formerly Invitae), Labcorp); PubMed 26226137 (cited by Labcorp Genetics (formerly Invitae), Labcorp); PubMed 30718709 (cited by Labcorp Genetics (formerly Invitae), Labcorp); PubMed 31047384 (cited by Labcorp Genetics (formerly Invitae), Labcorp); PubMed 32467589 (cited by Labcorp Genetics (formerly Invitae), Labcorp); PubMed 28944237 (cited by Labcorp Genetics (formerly Invitae), Labcorp).